The following is an entry in ClinVar:

ClinVar aggregate classification (germline): Uncertain significance. Review status: criteria provided, multiple submitters, no conflicts (2 of 4 stars). 3 submissions from 3 submitters: Uncertain significance (3). Last evaluated 2026-03-31.

Conditions:
Inborn genetic diseases. Identifiers: MedGen C0950123, MeSH D030342.

Allele frequency attached by ClinVar (database versions not stated): gnomAD 0.00001 and 0.00002.
gnomAD v4.1: 11 of 1,612,200 alleles (0.00068%); highest among the groups gnomAD compares: African/African-American, 0.0027%; no homozygotes.

Submissions (3):

GeneDx
Classification: Uncertain significance. Last evaluated: 2026-03-31. Review status: criteria provided, single submitter. Criteria: GeneDx Variant Classification Process June 2021. Collection method: clinical testing. Allele origin: germline.
Comment: Has not been previously published as pathogenic or benign to our knowledge; Not observed at significant frequency in large population cohorts (gnomAD); In silico analysis suggests that this missense variant does not alter protein structure/function

Labcorp Genetics (formerly Invitae), Labcorp
Classification: Uncertain significance. Last evaluated: 2025-04-28. Review status: criteria provided, single submitter. Criteria: Invitae Variant Classification Sherloc (09022015). Collection method: clinical testing. Allele origin: germline.
Comment: This sequence change replaces glycine, which is neutral and non-polar, with arginine, which is basic and polar, at codon 530 of the COL9A3 protein (p.Gly530Arg). This variant is present in population databases (rs759377762, gnomAD 0.003%). This variant has not been reported in the literature in individuals affected with COL9A3-related conditions. ClinVar contains an entry for this variant (Variation ID: 1446791). Invitae Evidence Modeling of protein sequence and biophysical properties (such as structural, functional, and spatial information, amino acid conservation, physicochemical variation, residue mobility, and thermodynamic stability) indicates that this missense variant is not expected to disrupt COL9A3 protein function with a negative predictive value of 95%. In summary, the available evidence is currently insufficient to determine the role of this variant in disease. Therefore, it has been classified as a Variant of Uncertain Significance.

Ambry Genetics
Classification: Uncertain significance for Inborn genetic diseases. Last evaluated: 2024-11-10. Review status: criteria provided, single submitter. Criteria: Ambry Variant Classification Scheme 2023. Collection method: clinical testing. Allele origin: germline.

NM_001853.4(COL9A3):c.1588G>C (p.Gly530Arg)

Genes: COL9A3 (collagen type IX alpha 3 chain; plus strand), LOC126863084 (MED14-independent group 3 enhancer GRCh37_chr20:61467141-61468340; plus strand). Cytogenetic location: 20q13.33.
Variant type: single nucleotide variant.
Coding change: c.1588G>C on transcript NM_001853.4 (MANE Select); coding-DNA position 1588, G replaced by C.
Protein change: p.Gly530Arg; replaces glycine 530 with arginine.
Molecular consequence: missense variant.
Genome position (GRCh38, 1-based): chr20:62,836,517, G>C. VCF-style: chr20-62836517-G-C. GRCh37 (hg19) VCF-style: chr20-61467869-G-C.
Other names: c.1588G>C (NM_001853.3); short protein forms G530R.
Identifiers: ClinVar variation 1446791 (VCV001446791.9), dbSNP rs759377762, ClinGen allele CA9950075.